The following is an entry in ClinVar:

ClinVar aggregate classification (germline): Uncertain significance (1 of 4 stars; one submission).

Conditions:
Myofibrillar myopathy 6. Identifiers: Orphanet 199340, MedGen C2751831, MONDO:0013061, OMIM 612954.
Dilated cardiomyopathy 1HH (CMD1HH). Identifiers: Orphanet 154, MedGen C3151293, MONDO:0013479, OMIM 613881.

Submission:

Labcorp Genetics (formerly Invitae), Labcorp
Classification: Uncertain significance for Dilated cardiomyopathy 1HH; Myofibrillar myopathy 6. Last evaluated: 2025-09-10. Review status: criteria provided, single submitter. Criteria: Invitae Variant Classification Sherloc (09022015). Collection method: clinical testing. Allele origin: germline.
Comment: This sequence change falls in intron 2 of the BAG3 gene. It does not directly change the encoded amino acid sequence of the BAG3 protein. This variant is present in population databases (rs776758711, gnomAD 0.02%). This variant has not been reported in the literature in individuals affected with BAG3-related conditions. Experimental studies and prediction algorithms are not available or were not evaluated, and the effect of this variant on mRNA splicing is currently unknown. In summary, the available evidence is currently insufficient to determine the role of this variant in disease. Therefore, it has been classified as a Variant of Uncertain Significance.

NM_004281.4(BAG3):c.507+18_507+41del

Gene: BAG3 (BAG cochaperone 3; plus strand). Cytogenetic location: 10q26.11.
Variant type: Deletion.
Coding change: c.507+18_507+41del on transcript NM_004281.4 (MANE Select); bases 18 to 41 of the intron after coding-DNA position 507, 24 bases deleted (TCACCAGCCTGCTGGGGAGCAAGC).
Molecular consequence: intron variant.
Genome position (GRCh38, 1-based): chr10:119,670,195-119,670,218, TCACCAGCCTGCTGGGGAGCAAGC deleted; deleting any 24 consecutive bases within chr10:119,670,193-119,670,218 gives the same sequence; the c. name uses the placement nearest the transcript's 3' end. VCF-style (leftmost placement, unchanged base first): chr10-119670192-GGCTCACCAGCCTGCTGGGGAGCAA-G. GRCh37 (hg19) VCF-style: chr10-121429704-GGCTCACCAGCCTGCTGGGGAGCAA-G.
Identifiers: ClinVar variation 4788725 (VCV004788725.1).